The following is an entry in ClinVar:

NM_001199138.2(NLRC4):c.1047G>A (p.Met349Ile)

Gene: NLRC4 (NLR family CARD domain containing 4; minus strand). Cytogenetic location: 2p22.3.
Variant type: single nucleotide variant.
Coding change: c.1047G>A on transcript NM_001199138.2 (MANE Select); coding-DNA position 1047, G replaced by A.
Protein change: p.Met349Ile; replaces methionine 349 with isoleucine.
Molecular consequence: missense variant. On other transcripts: intron variant (1).
Genome position (GRCh38, 1-based): chr2:32,250,817, C>T on the plus strand (G>A on the coding strand, the complement: NLRC4 is on the minus strand). VCF-style: chr2-32250817-C-T. GRCh37 (hg19) VCF-style: chr2-32475886-C-T.
Other names: c.1047G>A, p.Met349Ile (NM_001199139.2, NM_021209.5); c.262+1602G>A (NM_001302504.1); short protein forms M349I.
Identifiers: ClinVar variation 2948953 (VCV002948953.3), dbSNP rs1331116780, ClinGen allele CA346513688.

ClinVar aggregate classification (germline): Uncertain significance (1 of 4 stars; one submission).

Conditions:
Periodic fever-infantile enterocolitis-autoinflammatory syndrome. Also called: Autoinflammation with infantile enterocolitis. Identifiers: Orphanet 436166, MedGen C4015067, MONDO:0014472, OMIM 616050.
Familial cold autoinflammatory syndrome 4 (FCAS4). Identifiers: Orphanet 47045, Orphanet 576349, MedGen C4015276, MONDO:0014498, OMIM 616115.

Submission:

Labcorp Genetics (formerly Invitae), Labcorp
Classification: Uncertain significance for Periodic fever-infantile enterocolitis-autoinflammatory syndrome; Familial cold autoinflammatory syndrome 4. Last evaluated: 2023-06-16. Review status: criteria provided, single submitter. Criteria: Invitae Variant Classification Sherloc (09022015). Collection method: clinical testing. Allele origin: germline.
Comment: This variant has not been reported in the literature in individuals affected with NLRC4-related conditions. This variant is not present in population databases (gnomAD no frequency). This sequence change replaces methionine, which is neutral and non-polar, with isoleucine, which is neutral and non-polar, at codon 349 of the NLRC4 protein (p.Met349Ile). Advanced modeling of protein sequence and biophysical properties (such as structural, functional, and spatial information, amino acid conservation, physicochemical variation, residue mobility, and thermodynamic stability) has been performed at Invitae for this missense variant, however the output from this modeling did not meet the statistical confidence thresholds required to predict the impact of this variant on NLRC4 protein function. In summary, the available evidence is currently insufficient to determine the role of this variant in disease. Therefore, it has been classified as a Variant of Uncertain Significance.